The following is an entry in ClinVar:

ClinVar aggregate classification (germline): Uncertain significance (1 of 4 stars; one submission).

Allele frequency attached by ClinVar (database versions not stated): ExAC 0.00001; gnomAD 0.00001; gnomAD exomes 0.00002.
gnomAD v4.1: 42 of 1,613,540 alleles (0.0026%); highest among the groups gnomAD compares: Middle Eastern, 0.016%; no homozygotes.

Submission:

Labcorp Genetics (formerly Invitae), Labcorp
Classification: Uncertain significance. Last evaluated: 2024-05-15. Review status: criteria provided, single submitter. Criteria: Invitae Variant Classification Sherloc (09022015). Collection method: clinical testing. Allele origin: germline.
Comment: This sequence change replaces proline, which is neutral and non-polar, with leucine, which is neutral and non-polar, at codon 685 of the TELO2 protein (p.Pro685Leu). This variant is present in population databases (rs757668981, gnomAD 0.0009%). This variant has not been reported in the literature in individuals affected with TELO2-related conditions. ClinVar contains an entry for this variant (Variation ID: 2084607). Advanced modeling of protein sequence and biophysical properties (such as structural, functional, and spatial information, amino acid conservation, physicochemical variation, residue mobility, and thermodynamic stability) performed at Invitae indicates that this missense variant is not expected to disrupt TELO2 protein function with a negative predictive value of 80%. In summary, the available evidence is currently insufficient to determine the role of this variant in disease. Therefore, it has been classified as a Variant of Uncertain Significance.

NM_016111.4(TELO2):c.2054C>T (p.Pro685Leu)

Gene: TELO2 (telomere maintenance 2; plus strand). Cytogenetic location: 16p13.3.
Variant type: single nucleotide variant.
Coding change: c.2054C>T on transcript NM_016111.4 (MANE Select); coding-DNA position 2054, C replaced by T.
Protein change: p.Pro685Leu; replaces proline 685 with leucine.
Molecular consequence: missense variant.
Genome position (GRCh38, 1-based): chr16:1,506,257, C>T. VCF-style: chr16-1506257-C-T. GRCh37 (hg19) VCF-style: chr16-1556258-C-T.
Other names: c.2054C>T, p.Pro685Leu (NM_001351846.2); short protein forms P685L.
Identifiers: ClinVar variation 2084607 (VCV002084607.3), dbSNP rs757668981, ClinGen allele CA7812465.